The following is an entry in ClinVar:

NM_003597.5(KLF11):c.1396A>T (p.Ser466Cys)

Gene: KLF11 (KLF transcription factor 11; plus strand). Cytogenetic location: 2p25.1.
Variant type: single nucleotide variant.
Coding change: c.1396A>T on transcript NM_003597.5 (MANE Select); coding-DNA position 1396, A replaced by T.
Protein change: p.Ser466Cys; replaces serine 466 with cysteine.
Molecular consequence: missense variant.
Genome position (GRCh38, 1-based): chr2:10,052,364, A>T. VCF-style: chr2-10052364-A-T. GRCh37 (hg19) VCF-style: chr2-10192491-A-T.
Other names: c.1345A>T, p.Ser449Cys (NM_001177716.2, NM_001177718.2); short protein forms S449C, S466C.
Identifiers: ClinVar variation 1336833 (VCV001336833.8), dbSNP rs757875185, ClinGen allele CA1525775.

ClinVar aggregate classification (germline): Uncertain significance. Review status: criteria provided, multiple submitters, no conflicts (2 of 4 stars). 3 submissions from 3 submitters: Uncertain significance (3). Last evaluated 2023-09-30.

Conditions:
Maturity-onset diabetes of the young type 7 (MODY7). Identifiers: Orphanet 552, MedGen C1864839, MONDO:0012513, OMIM 610508.

Allele frequency attached by ClinVar (database versions not stated): gnomAD exomes 0.00001; ExAC 0.00002; gnomAD 0.00003; TOPMed 0.00003.
gnomAD v4.1: 123 of 1,613,986 alleles (0.0076%); highest among the groups gnomAD compares: Non-Finnish European, 0.01%; no homozygotes.

Submissions (3):

Labcorp Genetics (formerly Invitae), Labcorp
Classification: Uncertain significance. Last evaluated: 2023-09-30. Review status: criteria provided, single submitter. Criteria: Invitae Variant Classification Sherloc (09022015). Collection method: clinical testing. Allele origin: germline.
Comment: An algorithm developed to predict the effect of missense changes on protein structure and function (PolyPhen-2) suggests that this variant is likely to be disruptive. This sequence change replaces serine, which is neutral and polar, with cysteine, which is neutral and slightly polar, at codon 466 of the KLF11 protein (p.Ser466Cys). This variant is present in population databases (rs757875185, gnomAD 0.002%). This missense change has been observed in individual(s) with dyslipidemia (PMID: 32041611). ClinVar contains an entry for this variant (Variation ID: 1336833). In summary, the available evidence is currently insufficient to determine the role of this variant in disease. Therefore, it has been classified as a Variant of Uncertain Significance.

Fulgent Genetics
Classification: Uncertain significance for Maturity-onset diabetes of the young type 7. Last evaluated: 2021-08-19. Review status: criteria provided, single submitter. Criteria: ACMG Guidelines, 2015. Collection method: clinical testing. Allele origin: unknown.

Genetic Services Laboratory, University of Chicago
Classification: Uncertain significance. Last evaluated: 2018-08-28. Review status: criteria provided, single submitter. Criteria: ACMG Guidelines, 2015. Collection method: clinical testing. Allele origin: germline. Affected: no.

Literature cited by the submitters: PubMed 32041611 (cited by Labcorp Genetics (formerly Invitae), Labcorp).